The following is an entry in ClinVar:

NM_001625.4(AK2):c.463G>A (p.Glu155Lys)

Gene: AK2 (adenylate kinase 2; minus strand). Cytogenetic location: 1p35.1.
Variant type: single nucleotide variant.
Coding change: c.463G>A on transcript NM_001625.4 (MANE Select); coding-DNA position 463, G replaced by A.
Protein change: p.Glu155Lys; replaces glutamic acid 155 with lysine.
Molecular consequence: missense variant. On other transcripts: non-coding transcript variant (1).
Genome position (GRCh38, 1-based): chr1:33,014,557, C>T on the plus strand (G>A on the coding strand, the complement: AK2 is on the minus strand). VCF-style: chr1-33014557-C-T. GRCh37 (hg19) VCF-style: chr1-33480158-C-T.
Other names: c.439G>A, p.Glu147Lys (NM_001199199.3); c.319G>A, p.Glu107Lys (NM_001319139.3, NM_001319140.2); c.463G>A, p.Glu155Lys (NM_001319141.3, NM_013411.5); c.337G>A, p.Glu113Lys (NM_001319142.3); c.368G>A, p.Gly123Glu (NM_001319143.2); short protein forms E155K, G123E, E107K, E113K, E147K.
Identifiers: ClinVar variation 2090479 (VCV002090479.4), dbSNP rs1553151168, ClinGen allele CA339700656.

ClinVar aggregate classification (germline): Uncertain significance (1 of 4 stars; one submission).

Conditions:
Reticular dysgenesis. Also called: ALEUKOCYTOSIS; CONGENITAL ALEUKIA; HEMATOPOIETIC HYPOPLASIA, GENERALIZED; RETICULAR DYSGENESIA; SEVERE COMBINED IMMUNODEFICIENCY WITH LEUKOPENIA; DeVaal disease. Identifiers: Orphanet 33355, MedGen C0272167, MONDO:0009973, OMIM 267500.

Allele frequency attached by ClinVar (database versions not stated): gnomAD exomes below 0.00001.

Submission:

Labcorp Genetics (formerly Invitae), Labcorp
Classification: Uncertain significance for Reticular dysgenesis. Last evaluated: 2022-01-27. Review status: criteria provided, single submitter. Criteria: Invitae Variant Classification Sherloc (09022015). Collection method: clinical testing. Allele origin: germline.
Comment: This sequence change replaces glutamic acid, which is acidic and polar, with lysine, which is basic and polar, at codon 155 of the AK2 protein (p.Glu155Lys). This variant is not present in population databases (gnomAD no frequency). This variant has not been reported in the literature in individuals affected with AK2-related conditions. Algorithms developed to predict the effect of missense changes on protein structure and function (SIFT, PolyPhen-2, Align-GVGD) all suggest that this variant is likely to be tolerated. In summary, the available evidence is currently insufficient to determine the role of this variant in disease. Therefore, it has been classified as a Variant of Uncertain Significance.